The following is an entry in ClinVar:

NM_006996.3(SLC19A2):c.823C>T (p.Arg275Cys)

Gene: SLC19A2 (solute carrier family 19 member 2; minus strand). Cytogenetic location: 1q24.2.
Variant type: single nucleotide variant.
Coding change: c.823C>T on transcript NM_006996.3 (MANE Select); coding-DNA position 823, C replaced by T.
Protein change: p.Arg275Cys; replaces arginine 275 with cysteine.
Molecular consequence: missense variant.
Genome position (GRCh38, 1-based): chr1:169,470,171, G>A on the plus strand (C>T on the coding strand, the complement: SLC19A2 is on the minus strand). VCF-style: chr1-169470171-G-A. GRCh37 (hg19) VCF-style: chr1-169439409-G-A.
Other names: c.220C>T, p.Arg74Cys (NM_001319667.1); short protein forms R74C, R275C.
Identifiers: ClinVar variation 2056567 (VCV002056567.3), dbSNP rs138868959, ClinGen allele CA1232989.
Genomic context (GRCh38, chr1:169,470,171, plus strand): 5'-GAGGGCGAGAGGAGTAGCACATCAGGAAATCATTCCATAGTACTTTCAATACAAGGAGAC[G>A]GTCTGGCTTGGGTTCCTACATAGCAAAAGGGAACAATGCTCAAACTCTGATGAAGGCAAT-3'
Protein context (NP_008927.1, residues 265-285): PVEEPEPKPD[Arg275Cys]LLVLKVLWND

ClinVar aggregate classification (germline): Uncertain significance. Review status: criteria provided, multiple submitters, no conflicts (2 of 4 stars). 3 submissions from 3 submitters: Uncertain significance (3). Last evaluated 2023-12-18.

Conditions:
Inborn genetic diseases. Identifiers: MedGen C0950123, MeSH D030342.

Allele frequency attached by ClinVar (database versions not stated): gnomAD 0.00002; gnomAD exomes 0.00002; ExAC 0.00004; ESP Exome Variant Server 0.00008.
gnomAD v4.1: 33 of 1,613,768 alleles (0.002%); highest among the groups gnomAD compares: Middle Eastern, 0.016%; no homozygotes.

Submissions (3):

Blueprint Genetics
Classification: Uncertain significance. Last evaluated: 2023-12-18. Review status: criteria provided, single submitter. Criteria: ACMG Guidelines, 2015. Collection method: clinical testing. Allele origin: germline.

Labcorp Genetics (formerly Invitae), Labcorp
Classification: Uncertain significance. Last evaluated: 2022-07-21. Review status: criteria provided, single submitter. Criteria: Invitae Variant Classification Sherloc (09022015). Collection method: clinical testing. Allele origin: germline.
Comment: This sequence change replaces arginine, which is basic and polar, with cysteine, which is neutral and slightly polar, at codon 275 of the SLC19A2 protein (p.Arg275Cys). This variant is present in population databases (rs138868959, gnomAD 0.007%). This variant has not been reported in the literature in individuals affected with SLC19A2-related conditions. Advanced modeling of protein sequence and biophysical properties (such as structural, functional, and spatial information, amino acid conservation, physicochemical variation, residue mobility, and thermodynamic stability) performed at Invitae indicates that this missense variant is not expected to disrupt SLC19A2 protein function. In summary, the available evidence is currently insufficient to determine the role of this variant in disease. Therefore, it has been classified as a Variant of Uncertain Significance.

Ambry Genetics
Classification: Uncertain significance for Inborn genetic diseases. Last evaluated: 2021-08-13. Review status: criteria provided, single submitter. Criteria: Ambry Variant Classification Scheme 2023. Collection method: clinical testing. Allele origin: germline.